The following is an entry in ClinVar:

ClinVar aggregate classification (germline): Uncertain significance (1 of 4 stars; one submission).

Allele frequency attached by ClinVar (database versions not stated): gnomAD 0.00001; TOPMed 0.00001.

Submission:

GeneDx
Classification: Uncertain significance. Last evaluated: 2022-12-27. Review status: criteria provided, single submitter. Criteria: GeneDx Variant Classification Process June 2021. Collection method: clinical testing. Allele origin: germline. Affected: yes.
Comment: Not observed at significant frequency in large population cohorts (gnomAD); In silico analysis supports that this missense variant has a deleterious effect on protein structure/function; Has not been previously published as pathogenic or benign to our knowledge

NM_004663.5(RAB11A):c.122A>G (p.Lys41Arg)

Gene: RAB11A (RAB11A, member RAS oncogene family; plus strand). Cytogenetic location: 15q22.31.
Variant type: single nucleotide variant.
Coding change: c.122A>G on transcript NM_004663.5 (MANE Select); coding-DNA position 122, A replaced by G.
Protein change: p.Lys41Arg; replaces lysine 41 with arginine.
Molecular consequence: missense variant.
Genome position (GRCh38, 1-based): chr15:65,877,413, A>G. VCF-style: chr15-65877413-A-G. GRCh37 (hg19) VCF-style: chr15-66169751-A-G.
Other names: c.122A>G, p.Lys41Arg (NM_001206836.2); short protein forms K41R.
Identifiers: ClinVar variation 2507121 (VCV002507121.1), dbSNP rs2078196982, ClinGen allele CA392920139.
Genomic context (GRCh38, chr15:65,877,413, plus strand): 5'-GTGTTGGAAAGAGTAATCTCCTGTCTCGATTTACTCGAAATGAGTTTAATCTGGAAAGCA[A>G]GAGCACCATTGGAGTAGAGTTTGCAACAAGAAGCATCCAGGTTGATGGAAAAACAATAAA-3'
Protein context (NP_004654.1, residues 31-51): FTRNEFNLES[Lys41Arg]STIGVEFATR